The following is an entry in ClinVar:

ClinVar aggregate classification (germline): Benign (0 of 4 stars; one submission).

Conditions:
MUC16-related disorder. Also called: MUC16-related condition.

Allele frequency attached by ClinVar (database versions not stated): 1000 Genomes Project 30x 0.01109.

Submission:

PreventionGenetics, part of Exact Sciences
Classification: Benign for MUC16-related condition. Last evaluated: 2019-04-25. Review status: no assertion criteria provided. Collection method: clinical testing. Allele origin: germline.
Comment: This variant is classified as benign based on ACMG/AMP sequence variant interpretation guidelines (Richards et al. 2015 PMID: 25741868, with internal and published modifications).

NM_001401501.2(MUC16):c.39186C>A (p.Leu13062=)

Gene: MUC16 (mucin 16, cell surface associated; minus strand). Cytogenetic location: 19p13.2.
Variant type: single nucleotide variant.
Coding change: c.39186C>A on transcript NM_001401501.2 (MANE Select); coding-DNA position 39186, C replaced by A.
Protein change: p.Leu13062=; no amino-acid change (leucine 13062 retained).
Molecular consequence: synonymous variant.
Genome position (GRCh38, 1-based): chr19:8,899,985, G>T on the plus strand (C>A on the coding strand, the complement: MUC16 is on the minus strand). VCF-style: chr19-8899985-G-T. GRCh37 (hg19) VCF-style: chr19-9010661-G-T.
Other names: c.39612C>A, p.Leu13204= (NM_001414686.1); c.39066C>A, p.Leu13022= (NM_001414687.1); c.39000C>A, p.Leu13000= (NM_024690.2).
Identifiers: ClinVar variation 3041975 (VCV003041975.2), dbSNP rs746820148, ClinGen allele CA305081397.